The following is an entry in ClinVar:

ClinVar aggregate classification (germline): Conflicting classifications of pathogenicity. Review status: criteria provided, conflicting classifications (1 of 4 stars). 24 submissions from 20 submitters: Uncertain significance (5); Benign (3); Likely benign (12). 4 of the submissions do not count toward it. Last evaluated 2026-09-01.

Conditions:
Cardiovascular phenotype. Identifiers: MedGen CN230736.
Dilated cardiomyopathy 1G (CMD1G). Identifiers: Orphanet 154, MedGen C1858763, MONDO:0011400, OMIM 604145.
Autosomal recessive limb-girdle muscular dystrophy type 2J (LGMDR10). Also called: MUSCULAR DYSTROPHY, LIMB-GIRDLE, AUTOSOMAL RECESSIVE 10; Limb-girdle muscular dystrophy, type 2J. Identifiers: Orphanet 140922, MedGen C1837342, MONDO:0012127, OMIM 608807.
Cardiomyopathy (CMYO). Also called: Cardiomyopathies. Identifiers: Orphanet 167848, MedGen C0878544, MONDO:0004994, HP:0001638. Inheritance: Various modes of inheritance.
Early-onset myopathy with fatal cardiomyopathy (CMYO5). Also called: CONGENITAL MYOPATHY 5 WITH CARDIOMYOPATHY; Salih Myopathy. Identifiers: Orphanet 289377, MedGen C2673677, MONDO:0012714, OMIM 611705. Disease mechanism: loss of function.
Myopathy, myofibrillar, 9, with early respiratory failure (MFM9). Also called: Hereditary myopathy with early respiratory failure; EDSTROM MYOPATHY; Myopathy, distal, with early respiratory failure, autosomal dominant; MYOPATHY, PROXIMAL, WITH EARLY RESPIRATORY MUSCLE INVOLVEMENT. Identifiers: Orphanet 178464, Orphanet 34521, MedGen C1863599, MONDO:0011362, OMIM 603689.
Tibial muscular dystrophy (TMD). Also called: Udd Distal Myopathy – Tibial Muscular Dystrophy; Tibial muscular dystrophy, tardive; UDD MYOPATHY. Identifiers: Orphanet 609, MedGen C1838244, MONDO:0010870, OMIM 600334.
Hypertrophic cardiomyopathy. Also called: HYPERTROPHIC MYOCARDIOPATHY. Identifiers: Orphanet 217569, MedGen C0007194, MeSH D002312, MONDO:0005045, HP:0001639.

Allele frequency attached by ClinVar (database versions not stated): gnomAD 0.00082 and 0.00084; gnomAD exomes 0.00083 and 0.00156; 1000 Genomes Project 30x 0.00141; ExAC 0.00071; ESP Exome Variant Server 0.00092; 1000 Genomes Project 0.00120; TOPMed 0.00084.
gnomAD v4.1: 2,381 of 1,613,918 alleles (0.15%); highest among the groups gnomAD compares: Non-Finnish European, 0.19%; 4 homozygotes.

Submissions (24):

CeGaT Center for Human Genetics Tuebingen
Classification: Likely benign. Last evaluated: 2026-09-01. Review status: criteria provided, single submitter. Criteria: CeGaT Center For Human Genetics Tuebingen Variant Classification Criteria Version 2. Collection method: clinical testing. Allele origin: germline. Affected: yes. Observed: 10 variant alleles.
Comment: TTN: BP4

Labcorp Genetics (formerly Invitae), Labcorp
Classification: Likely benign for Dilated cardiomyopathy 1G; Autosomal recessive limb-girdle muscular dystrophy type 2J. Last evaluated: 2026-01-29. Review status: criteria provided, single submitter. Criteria: Invitae Variant Classification Sherloc (09022015). Collection method: clinical testing. Allele origin: germline.

Mayo Clinic Laboratories, Mayo Clinic
Classification: Likely benign. Last evaluated: 2025-08-11. Review status: criteria provided, single submitter. Criteria: ACMG Guidelines, 2015. Collection method: clinical testing. Allele origin: germline. Observed: 5 variant alleles.
Comment: BS1, BP4_moderate

Molecular Diagnostic Laboratory for Inherited Cardiovascular Disease, Montreal Heart Institute
Classification: Likely benign. Last evaluated: 2025-04-09. Review status: criteria provided, single submitter. Criteria: ACMG Guidelines, 2015. Collection method: clinical testing. Allele origin: germline. Affected: no.

ARUP Laboratories, Molecular Genetics and Genomics, ARUP Laboratories
Classification: Likely benign. Last evaluated: 2025-03-06. Review status: criteria provided, single submitter. Criteria: ARUP Molecular Germline Variant Investigation Process 2024. Collection method: clinical testing. Allele origin: germline.

Blueprint Genetics
Classification: Likely benign. Last evaluated: 2024-11-26. Review status: criteria provided, single submitter. Criteria: ACMG Guidelines, 2015. Collection method: clinical testing. Allele origin: germline.

Women's Health and Genetics/Laboratory Corporation of America, LabCorp
Classification: Likely benign. Last evaluated: 2022-02-26. Review status: criteria provided, single submitter. Criteria: LabCorp Variant Classification Summary - May 2015. Collection method: clinical testing. Allele origin: germline.

GeneDx
Classification: Likely benign. Last evaluated: 2021-04-21. Review status: criteria provided, single submitter. Criteria: GeneDx Variant Classification Process June 2021. Collection method: clinical testing. Allele origin: germline. Affected: yes.
Comment: This variant is associated with the following publications: (PMID: 23861362)

CHEO Genetics Diagnostic Laboratory, Children's Hospital of Eastern Ontario
Classification: Benign for Cardiomyopathy. Last evaluated: 2020-03-03. Review status: criteria provided, single submitter. Criteria: ACMG Guidelines, 2015. Collection method: clinical testing. Allele origin: germline.

Ambry Genetics
Classification: Likely benign for Cardiovascular phenotype. Last evaluated: 2019-03-05. Review status: criteria provided, single submitter. Criteria: Ambry Variant Classification Scheme 2023. Collection method: clinical testing. Allele origin: germline.

Athena Diagnostics
Classification: Likely benign. Last evaluated: 2018-08-29. Review status: criteria provided, single submitter. Criteria: Athena Diagnostics Criteria. Collection method: clinical testing. Allele origin: germline.

Center for Advanced Laboratory Medicine, UC San Diego Health, University of California San Diego
Classification: Likely benign for Hypertrophic cardiomyopathy. Last evaluated: 2018-03-22. Review status: criteria provided, single submitter. Criteria: ACMG Guidelines, 2015. Collection method: clinical testing. Allele origin: germline. Affected: yes. Observed: 2 variant alleles.

Eurofins Ntd Llc (ga)
Classification: Uncertain significance. Last evaluated: 2018-02-12. Review status: criteria provided, single submitter. Criteria: EGL ClinVar v180209 classification definitions. Collection method: clinical testing. Allele origin: germline. Observed: 14 variant alleles, 14 heterozygotes.

Illumina Laboratory Services, Illumina
Classification: Benign for Tibial muscular dystrophy. Last evaluated: 2018-01-13. Review status: criteria provided, single submitter. Criteria: ICSL Variant Classification Criteria 13 December 2019. Collection method: clinical testing. Allele origin: germline.
Comment: This variant was observed in the ICSL laboratory as part of a predisposition screen in an ostensibly healthy population. It had not been previously curated by ICSL or reported in the Human Gene Mutation Database (HGMD: prior to June 1st, 2018), and was therefore a candidate for classification through an automated scoring system. Utilizing variant allele frequency, disease prevalence and penetrance estimates, and inheritance mode, an automated score was calculated to assess if this variant is too frequent to cause the disease. Based on the score and internal cut-off values, a variant classified as benign is not then subjected to further curation. The score for this variant resulted in a classification of benign for this disease.

Illumina Laboratory Services, Illumina
Classification: Uncertain significance for Dilated cardiomyopathy 1G. Last evaluated: 2018-01-13. Review status: criteria provided, single submitter. Criteria: ICSL Variant Classification Criteria 13 December 2019. Collection method: clinical testing. Allele origin: germline.

Illumina Laboratory Services, Illumina
Classification: Benign for Myopathy, myofibrillar, 9, with early respiratory failure. Last evaluated: 2018-01-13. Review status: criteria provided, single submitter. Criteria: ICSL Variant Classification Criteria 13 December 2019. Collection method: clinical testing. Allele origin: germline.
Comment: the same text as in the submission from Illumina Laboratory Services, Illumina above.

Illumina Laboratory Services, Illumina
Classification: Uncertain significance for Early-onset myopathy with fatal cardiomyopathy. Last evaluated: 2018-01-13. Review status: criteria provided, single submitter. Criteria: ICSL Variant Classification Criteria 13 December 2019. Collection method: clinical testing. Allele origin: germline.

Illumina Laboratory Services, Illumina
Classification: Uncertain significance for Autosomal recessive limb-girdle muscular dystrophy type 2J. Last evaluated: 2018-01-13. Review status: criteria provided, single submitter. Criteria: ICSL Variant Classification Criteria 13 December 2019. Collection method: clinical testing. Allele origin: germline.

Laboratory for Molecular Medicine, Mass General Brigham Personalized Medicine
Classification: Uncertain significance. Last evaluated: 2016-07-01. Review status: criteria provided, single submitter. Criteria: LMM Criteria. Collection method: clinical testing. Allele origin: germline. Observed: 6 variant alleles.
Comment: Variant classified as Uncertain Significance - Favor Benign. The p.Met31683Val v ariant in TTN has been identified by our laboratory in 4 individuals with differ ent cardiomyopathies (HCM, DCM, LVNC), one of whom also carried a likely pathoge nic variant in another gene. This variant has been identified in 0.1% (77/66684) of European chromosomes by the Exome Aggregation Consortium (ExAC.; dbSNP rs56173891). Methionine (Met) at position 31683 is not well conserved in evolution and 1 mammal (chimp) carries the variant amino acid (Val), raising the possibility that this change may be tolerated. Additional co mputational prediction tools also suggest that this variant may not impact the p rotein, though this information is not predictive enough to rule out pathogenici ty. In summary, while the clinical significance of the p.Met31683Val variant is uncertain, these data suggest that it is more likely to be benign.

PreventionGenetics, part of Exact Sciences
Classification: Likely benign. Review status: criteria provided, single submitter. Criteria: ACMG Guidelines, 2015. Collection method: clinical testing. Allele origin: germline.

Clinical Genetics DNA and cytogenetics Diagnostics Lab, Erasmus MC, Erasmus Medical Center
Classification: Likely benign. Review status: no assertion criteria provided. Collection method: clinical testing. Allele origin: germline. Affected: yes. Study: VKGL Data-share Consensus. Not counted in ClinVar's aggregate classification.

Clinical Genetics, Academic Medical Center
Classification: Likely benign. Review status: no assertion criteria provided. Collection method: clinical testing. Allele origin: germline. Affected: yes. Study: VKGL Data-share Consensus. Not counted in ClinVar's aggregate classification.

Genome Diagnostics Laboratory, University Medical Center Utrecht
Classification: Likely benign. Review status: no assertion criteria provided. Collection method: clinical testing. Allele origin: germline. Affected: yes. Study: VKGL Data-share Consensus. Not counted in ClinVar's aggregate classification.

Joint Genome Diagnostic Labs from Nijmegen and Maastricht, Radboudumc and MUMC+
Classification: Likely benign. Review status: no assertion criteria provided. Collection method: clinical testing. Allele origin: germline. Affected: yes. Study: VKGL Data-share Consensus. Not counted in ClinVar's aggregate classification.

Literature cited by the submitters: PubMed 32746448 (cited by Mayo Clinic Laboratories, Mayo Clinic).

NM_001267550.2(TTN):c.102751A>G (p.Met34251Val)

Genes: TTN (titin; minus strand), TTN-AS1 (TTN antisense RNA 1; plus strand). Cytogenetic location: 2q31.2.
Variant type: single nucleotide variant.
Coding change: c.102751A>G on transcript NM_001267550.2 (MANE Select); coding-DNA position 102751, A replaced by G.
Protein change: p.Met34251Val; replaces methionine 34251 with valine.
Molecular consequence: missense variant.
Genome position (GRCh38, 1-based): chr2:178,533,864, T>C on the plus strand (A>G on the coding strand, the complement: TTN is on the minus strand). VCF-style: chr2-178533864-T-C. GRCh37 (hg19) VCF-style: chr2-179398591-T-C.
Other names: p.M31683V:ATG>GTG; c.97828A>G, p.Met32610Val (NM_001256850.1); c.75556A>G, p.Met25186Val (NM_003319.4); c.95047A>G, p.Met31683Val (NM_133378.4); c.75931A>G, p.Met25311Val (NM_133432.3); c.76132A>G, p.Met25378Val (NM_133437.4); short protein forms M31683V, M34251V, M32610V, M25186V, M25311V, M25378V.
Identifiers: ClinVar variation 167756 (VCV000167756.81), dbSNP rs56173891, ClinGen allele CA181573.